The following is an entry in ClinVar:

ClinVar aggregate classification (germline): Pathogenic. Review status: criteria provided, multiple submitters, no conflicts (2 of 4 stars). 2 submissions from 2 submitters: Pathogenic (2). Last evaluated 2025-08-14.

Conditions:
Polycystic kidney disease, adult type (PKD1). Also called: Polycystic Kidney Disease 1, Autosomal Dominant; Polycystic kidney disease 1; Polycystic kidney disease 1, severe; POLYCYSTIC KIDNEY DISEASE 1 WITH OR WITHOUT POLYCYSTIC LIVER DISEASE; POLYCYSTIC KIDNEY DISEASE, ADULT, TYPE I; Polycystic Kidney, Autosomal Dominant. Identifiers: MedGen C3149841, MONDO:0008263, OMIM 173900.

Submissions (2):

GeneDx
Classification: Pathogenic. Last evaluated: 2025-08-14. Review status: criteria provided, single submitter. Criteria: GeneDx Variant Classification Process June 2021. Collection method: clinical testing. Allele origin: germline. Affected: yes.
Comment: Canonical splice site variant predicted to result in a null allele in a gene for which loss of function is a known mechanism of disease; Not observed at significant frequency in large population cohorts (gnomAD); This variant is associated with the following publications: (PMID: 39888183, 38481516, 38670396)

Fulgent Genetics
Classification: Pathogenic for Polycystic kidney disease, adult type. Last evaluated: 2024-04-06. Review status: criteria provided, single submitter. Criteria: ACMG Guidelines, 2015. Collection method: clinical testing. Allele origin: germline.

NM_001009944.3(PKD1):c.3296-2A>G

Gene: PKD1 (polycystin 1, transient receptor potential channel interacting; minus strand). Cytogenetic location: 16p13.3.
Variant type: single nucleotide variant.
Coding change: c.3296-2A>G on transcript NM_001009944.3 (MANE Select); the canonical splice acceptor site of the intron before coding-DNA position 3296, A replaced by G.
Molecular consequence: splice acceptor variant.
Genome position (GRCh38, 1-based): chr16:2,111,873, T>C on the plus strand (A>G on the coding strand, the complement: PKD1 is on the minus strand). VCF-style: chr16-2111873-T-C. GRCh37 (hg19) VCF-style: chr16-2161874-T-C.
Other names: c.3296-2A>G (NM_000296.4).
Identifiers: ClinVar variation 3579613 (VCV003579613.2).
Genomic context (GRCh38, chr16:2,111,873, plus strand): 5'-CACCTGCTGCGTCAGGTTCTCGAAGGCATTAGATGCCAGCACGGTCAGGAGGTACTCACC[T>C]GTGGGGACAGGCCCGAGTGGGGCAGCCGCGGCACCCCCACCTGCTCCCCACCCGCTCGGC-3'